The following is an entry in ClinVar:

ClinVar aggregate classification (germline): Likely benign (1 of 4 stars; one submission).

gnomAD v4.1: 161 of 1,614,028 alleles (0.01%); highest among the groups gnomAD compares: Non-Finnish European, 0.013%; no homozygotes.

Submission:

CeGaT Center for Human Genetics Tuebingen
Classification: Likely benign. Last evaluated: 2026-09-01. Review status: criteria provided, single submitter. Criteria: CeGaT Center For Human Genetics Tuebingen Variant Classification Criteria Version 2. Collection method: clinical testing. Allele origin: germline. Affected: yes. Observed: 1 variant allele.
Comment: HERC2: BP4, BP7

NM_004667.6(HERC2):c.1839G>A (p.Gly613=)

Gene: HERC2 (HECT and RLD domain containing E3 ubiquitin protein ligase 2; minus strand). Cytogenetic location: 15q13.1.
Variant type: single nucleotide variant.
Coding change: c.1839G>A on transcript NM_004667.6 (MANE Select); coding-DNA position 1839, G replaced by A.
Protein change: p.Gly613=; no amino-acid change (glycine 613 retained).
Molecular consequence: synonymous variant.
Genome position (GRCh38, 1-based): chr15:28,265,649, C>T on the plus strand (G>A on the coding strand, the complement: HERC2 is on the minus strand). VCF-style: chr15-28265649-C-T. GRCh37 (hg19) VCF-style: chr15-28510795-C-T.
Identifiers: ClinVar variation 5040949 (VCV005040949.1).
Genomic context (GRCh38, chr15:28,265,649, plus strand): 5'-CTGTCCAGGGTGGCGAGAGCTCTACGTACCGTTCTCAGTGACAGCCAGGGTTTGAGCATC[C>T]CCACTCCCACACGCCACATCGATGACCTTCAGTCCTTTAAGCCCGGCTACCAGCATCGGA-3'
Protein context (NP_004658.3, residues 603-623): LKVIDVACGS[Gly613=]DAQTLAVTEN